The following is an entry in ClinVar:

NM_001369.3(DNAH5):c.3820del (p.Gln1273_Val1274insTer)

Genes: DNAH5 (dynein axonemal heavy chain 5; minus strand), DNAH5-AS1 (DNAH5 antisense RNA 1; plus strand). Cytogenetic location: 5p15.2.
Variant type: Deletion.
Coding change: c.3820del on transcript NM_001369.3 (MANE Select); coding-DNA position 3820, one base deleted (G; older notation c.3820delG).
Protein change: p.Gln1273_Val1274insTer.
Molecular consequence: nonsense.
Genome position (GRCh38, 1-based): chr5:13,870,781, C deleted on the plus strand (G on the coding strand, the reverse complement: DNAH5 is on the minus strand). VCF-style (leftmost placement, unchanged base first): chr5-13870780-AC-A. GRCh37 (hg19) VCF-style: chr5-13870889-AC-A.
Identifiers: ClinVar variation 5004772 (VCV005004772.1).
Genomic context (GRCh38, chr5:13,870,780, plus strand): 5'-CCAACATGTAGAAATATTTCTATAATGAACAAATGATCATTAGTTACCTCAATAGGTCCT[AC>A]TTGAAAGTCAATGGAGATTTGCTCCTCCCTTATTTCTTTCAGCGCTGCCATTGCAATCCG-3'

ClinVar aggregate classification (germline): Pathogenic (1 of 4 stars; one submission).

Conditions:
Primary ciliary dyskinesia 3. Identifiers: Orphanet 244, MedGen C1837618, MONDO:0012085, OMIM 608644.

Submission:

Myriad Genetics, Inc.
Classification: Pathogenic for Primary ciliary dyskinesia 3. Last evaluated: 2026-07-06. Review status: criteria provided, single submitter. Criteria: Myriad Autosomal Dominant, Autosomal Recessive and X-Linked Classification Criteria (2023). Collection method: clinical testing. Allele origin: unknown.
Comment: NM_001369.2(DNAH5):c.3820delG(V1274*) is a frameshift variant classified as pathogenic in the context of primary ciliary dyskinesia, DNAH5-related. V1274* has not been observed in cases with relevant disease. Relevant functional assessments of this variant are not available in the literature. V1274* has not been observed in referenced population frequency databases. In summary, NM_001369.2(DNAH5):c.3820delG(V1274*) is a frameshift variant in a gene where loss of function is a known mechanism of disease and is predicted to disrupt protein function. Please note: this variant was assessed in the context of healthy population screening.